The following is an entry in ClinVar:

NM_001082538.3(TCTN1):c.84G>A (p.Pro28=)

Gene: TCTN1 (tectonic family member 1; plus strand). Cytogenetic location: 12q24.11.
Variant type: single nucleotide variant.
Coding change: c.84G>A on transcript NM_001082538.3 (MANE Select); coding-DNA position 84, G replaced by A.
Protein change: p.Pro28=; no amino-acid change (proline 28 retained).
Molecular consequence: synonymous variant. On other transcripts: 5 prime UTR variant (4), non-coding transcript variant (1).
Genome position (GRCh38, 1-based): chr12:110,614,266, G>A. VCF-style: chr12-110614266-G-A. GRCh37 (hg19) VCF-style: chr12-111052071-G-A.
Other names: c.84G>A, p.Pro28= (NM_001082537.3, NM_001319680.2, NM_024549.6); c.-146G>A (NM_001173975.3, NM_001319682.3); c.-173G>A (NM_001173976.2); c.-624G>A (NM_001319681.2).
Identifiers: ClinVar variation 1509640 (VCV001509640.25), dbSNP rs777519512, ClinGen allele CA6786445.

ClinVar aggregate classification (germline): Likely benign. Review status: criteria provided, multiple submitters, no conflicts (2 of 4 stars). 3 submissions from 3 submitters: Likely benign (3). Last evaluated 2025-06-22.

Conditions:
Meckel-Gruber syndrome. Also called: DYSENCEPHALIA SPLANCHNOCYSTICA; GRUBER SYNDROME; Dysencephalia splachnocystica. Identifiers: Orphanet 564, MedGen C0265215, MONDO:0018921.
Joubert syndrome. Also called: Familial aplasia of the vermis; JOUBERT-BOLTSHAUSER SYNDROME. Identifiers: Orphanet 475, MedGen C5979921, MONDO:0018772.

Allele frequency attached by ClinVar (database versions not stated): ExAC 0.00005.
gnomAD v4.1: 18 of 1,595,654 alleles (0.0011%); highest among the groups gnomAD compares: African/African-American, 0.013%; no homozygotes.

Submissions (3):

Labcorp Genetics (formerly Invitae), Labcorp
Classification: Likely benign for Joubert syndrome; Meckel-Gruber syndrome. Last evaluated: 2025-06-22. Review status: criteria provided, single submitter. Criteria: Invitae Variant Classification Sherloc (09022015). Collection method: clinical testing. Allele origin: germline.

Blueprint Genetics
Classification: Likely benign. Last evaluated: 2024-11-27. Review status: criteria provided, single submitter. Criteria: ACMG Guidelines, 2015. Collection method: clinical testing. Allele origin: germline.

CeGaT Center for Human Genetics Tuebingen
Classification: Likely benign. Last evaluated: 2024-06-01. Review status: criteria provided, single submitter. Criteria: CeGaT Center For Human Genetics Tuebingen Variant Classification Criteria Version 2. Collection method: clinical testing. Allele origin: germline. Affected: yes. Observed: 1 variant allele.
Comment: TCTN1: BP4, BP7